The following is an entry in ClinVar:

NM_133510.4(RAD51B):c.176C>T (p.Ala59Val)

Gene: RAD51B (RAD51 paralog B; plus strand). Cytogenetic location: 14q24.1.
Variant type: single nucleotide variant.
Coding change: c.176C>T on transcript NM_133510.4 (MANE Select); coding-DNA position 176, C replaced by T.
Protein change: p.Ala59Val; replaces alanine 59 with valine.
Molecular consequence: missense variant. On other transcripts: 5 prime UTR variant (1).
Genome position (GRCh38, 1-based): chr14:67,825,555, C>T. VCF-style: chr14-67825555-C-T. GRCh37 (hg19) VCF-style: chr14-68292272-C-T.
Other names: c.176C>T, p.Ala59Val (NM_001321809.2, NM_001321810.2, NM_001321812.1 and 6 more transcripts); c.62C>T, p.Ala21Val (NM_001321815.1); c.-280C>T (NM_001321817.2); short protein forms A21V, A59V.
Identifiers: ClinVar variation 4149865 (VCV004149865.1).

ClinVar aggregate classification (germline): Uncertain significance (1 of 4 stars; one submission).

gnomAD v4.1: 1 of 1,609,670 alleles (0.000062%); highest among the groups gnomAD compares: Non-Finnish European, 0.000085%; no homozygotes.

Submission:

Ambry Genetics
Classification: Uncertain significance. Last evaluated: 2025-09-04. Review status: criteria provided, single submitter. Criteria: Ambry Variant Classification Scheme 2023. Collection method: clinical testing. Allele origin: germline.
Comment: The p.A59V variant (also known as c.176C>T), located in coding exon 2 of the RAD51B gene, results from a C to T substitution at nucleotide position 176. The alanine at codon 59 is replaced by valine, an amino acid with similar properties. This amino acid position is conserved. In addition, this alteration is predicted to be tolerated by in silico analysis. Based on the available evidence, the clinical significance of this variant remains unclear.